The following is an entry in ClinVar:

NM_001009944.3(PKD1):c.158G>T (p.Gly53Val)

Gene: PKD1 (polycystin 1, transient receptor potential channel interacting; minus strand). Cytogenetic location: 16p13.3.
Variant type: single nucleotide variant.
Coding change: c.158G>T on transcript NM_001009944.3 (MANE Select); coding-DNA position 158, G replaced by T.
Protein change: p.Gly53Val; replaces glycine 53 with valine.
Molecular consequence: missense variant.
Genome position (GRCh38, 1-based): chr16:2,135,532, C>A on the plus strand (G>T on the coding strand, the complement: PKD1 is on the minus strand). VCF-style: chr16-2135532-C-A. GRCh37 (hg19) VCF-style: chr16-2185533-C-A.
Other names: c.158G>T, p.Gly53Val (NM_000296.4); short protein forms G53V.
Identifiers: ClinVar variation 4814093 (VCV004814093.1).

ClinVar aggregate classification (germline): Uncertain significance (1 of 4 stars; one submission).

Conditions:
Polycystic kidney disease, adult type (PKD1). Also called: Polycystic Kidney Disease 1, Autosomal Dominant; Polycystic kidney disease 1; Polycystic kidney disease 1, severe; POLYCYSTIC KIDNEY DISEASE 1 WITH OR WITHOUT POLYCYSTIC LIVER DISEASE; POLYCYSTIC KIDNEY DISEASE, ADULT, TYPE I; Polycystic Kidney, Autosomal Dominant. Identifiers: MedGen C3149841, MONDO:0008263, OMIM 173900.

Submission:

OLLIN Analises Genomicas, OLLIN
Classification: Uncertain significance for Polycystic kidney disease, adult type. Last evaluated: 2026-02-13. Review status: criteria provided, single submitter. Criteria: ACMG Guidelines 2015 PMID 25741868. Collection method: clinical testing. Allele origin: germline. Observed: 1 variant allele.
Comment: PM2_P, BP4